The following is an entry in ClinVar:

NM_000222.3(KIT):c.2657G>C (p.Gly886Ala)

Gene: KIT (KIT proto-oncogene, receptor tyrosine kinase; plus strand). Cytogenetic location: 4q12.
Variant type: single nucleotide variant.
Coding change: c.2657G>C on transcript NM_000222.3 (MANE Select); coding-DNA position 2657, G replaced by C.
Protein change: p.Gly886Ala; replaces glycine 886 with alanine.
Molecular consequence: missense variant.
Genome position (GRCh38, 1-based): chr4:54,736,781, G>C. VCF-style: chr4-54736781-G-C. GRCh37 (hg19) VCF-style: chr4-55602947-G-C.
Other names: c.2645G>C, p.Gly882Ala (NM_001093772.2, NM_001385292.1); c.2660G>C, p.Gly887Ala (NM_001385284.1); c.2654G>C, p.Gly885Ala (NM_001385285.1); c.2642G>C, p.Gly881Ala (NM_001385286.1); c.2648G>C, p.Gly883Ala (NM_001385288.1); c.2657G>C, p.Gly886Ala (NM_001385290.1); short protein forms G887A, G881A, G885A, G882A, G883A, G886A.
Identifiers: ClinVar variation 1450726 (VCV001450726.15), dbSNP rs2109812511, ClinGen allele CA356913935.

ClinVar aggregate classification (germline): Uncertain significance (1 of 4 stars; one submission).

Conditions:
Gastrointestinal stromal tumor. Also called: Gastrointestinal stroma tumor; Gastrointestinal stromal tumor, somatic. Identifiers: Orphanet 44890, MedGen C0238198, MeSH D046152, MONDO:0011719, OMIM 606764, HP:0100723.

Submission:

Labcorp Genetics (formerly Invitae), Labcorp
Classification: Uncertain significance for Gastrointestinal stromal tumor. Last evaluated: 2021-01-20. Review status: criteria provided, single submitter. Criteria: Invitae Variant Classification Sherloc (09022015). Collection method: clinical testing. Allele origin: germline.
Comment: In summary, the available evidence is currently insufficient to determine the role of this variant in disease. Therefore, it has been classified as a Variant of Uncertain Significance. Algorithms developed to predict the effect of missense changes on protein structure and function (SIFT, PolyPhen-2, Align-GVGD) all suggest that this variant is likely to be disruptive, but these predictions have not been confirmed by published functional studies and their clinical significance is uncertain. This variant has not been reported in the literature in individuals with KIT-related conditions. This variant is not present in population databases (ExAC no frequency). This sequence change replaces glycine with alanine at codon 886 of the KIT protein (p.Gly886Ala). The glycine residue is highly conserved and there is a small physicochemical difference between glycine and alanine.